The following is an entry in ClinVar:

ClinVar aggregate classification (germline): Uncertain significance (1 of 4 stars; one submission).

Allele frequency attached by ClinVar (database versions not stated): TOPMed 0.00003; gnomAD 0.00010; gnomAD exomes 0.00020; ExAC 0.00040; 1000 Genomes Project 30x 0.00062; 1000 Genomes Project 0.00080.
gnomAD v4.1: 314 of 1,614,124 alleles (0.019%); highest among the groups gnomAD compares: South Asian, 0.31%; 2 homozygotes.

Submission:

CeGaT Center for Human Genetics Tuebingen
Classification: Uncertain significance. Last evaluated: 2023-03-01. Review status: criteria provided, single submitter. Criteria: CeGaT Center For Human Genetics Tuebingen Variant Classification Criteria Version 2. Collection method: clinical testing. Allele origin: germline. Affected: yes. Observed: 1 variant allele.
Comment: MYH1: PM2

NM_005963.4(MYH1):c.1535C>T (p.Thr512Met)

Genes: MYH1 (myosin heavy chain 1; minus strand), MYHAS (myosin heavy chain gene cluster antisense RNA; plus strand). Cytogenetic location: 17p13.1.
Variant type: single nucleotide variant.
Coding change: c.1535C>T on transcript NM_005963.4 (MANE Select); coding-DNA position 1535, C replaced by T.
Protein change: p.Thr512Met; replaces threonine 512 with methionine.
Molecular consequence: missense variant.
Genome position (GRCh38, 1-based): chr17:10,509,537, G>A on the plus strand (C>T on the coding strand, the complement: MYH1 is on the minus strand). VCF-style: chr17-10509537-G-A. GRCh37 (hg19) VCF-style: chr17-10412854-G-A.
Other names: short protein forms T512M.
Identifiers: ClinVar variation 2498692 (VCV002498692.28), dbSNP rs565383342, ClinGen allele CA029055.
Genomic context (GRCh38, chr17:10,509,537, plus strand): 5'-AAGCCAACCTTCTCGATGAGCTCGATGCAGGCAGCCAGGTCCATCCCAAAGTCAATGAAC[G>A]TCCACTCAATGCCTTCCTTCTTGTACTCCTCCTGCTCCAGCACGAACATGTGGTGGTTGA-3'
Protein context (NP_005954.3, residues 502-522): EEYKKEGIEW[Thr512Met]FIDFGMDLAA